The following is an entry in ClinVar:

ClinVar aggregate classification (germline): Uncertain significance (1 of 4 stars; one submission).

Conditions:
Achondrogenesis, type IA (ACG1A). Identifiers: Orphanet 932, Orphanet 93299, MedGen C0265273, MONDO:0008701, OMIM 200600.

Allele frequency attached by ClinVar (database versions not stated): gnomAD exomes below 0.00001 and 0.00001; ExAC 0.00001.
gnomAD v4.1: 3 of 1,613,700 alleles (0.00019%); highest among the groups gnomAD compares: Non-Finnish European, 0.00025%; no homozygotes.

Submission:

Labcorp Genetics (formerly Invitae), Labcorp
Classification: Uncertain significance for Achondrogenesis, type IA. Last evaluated: 2025-07-01. Review status: criteria provided, single submitter. Criteria: Invitae Variant Classification Sherloc (09022015). Collection method: clinical testing. Allele origin: germline.
Comment: This sequence change replaces aspartic acid, which is acidic and polar, with asparagine, which is neutral and polar, at codon 772 of the TRIP11 protein (p.Asp772Asn). This variant is present in population databases (rs775798114, gnomAD 0.0009%). This variant has not been reported in the literature in individuals affected with TRIP11-related conditions. ClinVar contains an entry for this variant (Variation ID: 1009547). Invitae Evidence Modeling of protein sequence and biophysical properties (such as structural, functional, and spatial information, amino acid conservation, physicochemical variation, residue mobility, and thermodynamic stability) indicates that this missense variant is not expected to disrupt TRIP11 protein function with a negative predictive value of 80%. In summary, the available evidence is currently insufficient to determine the role of this variant in disease. Therefore, it has been classified as a Variant of Uncertain Significance.

NM_004239.4(TRIP11):c.2314G>A (p.Asp772Asn)

Gene: TRIP11 (thyroid hormone receptor interactor 11; minus strand). Cytogenetic location: 14q32.12.
Variant type: single nucleotide variant.
Coding change: c.2314G>A on transcript NM_004239.4 (MANE Select); coding-DNA position 2314, G replaced by A.
Protein change: p.Asp772Asn; replaces aspartic acid 772 with asparagine.
Molecular consequence: missense variant.
Genome position (GRCh38, 1-based): chr14:92,005,662, C>T on the plus strand (G>A on the coding strand, the complement: TRIP11 is on the minus strand). VCF-style: chr14-92005662-C-T. GRCh37 (hg19) VCF-style: chr14-92472006-C-T.
Other names: c.2311G>A, p.Asp771Asn (NM_001321851.1); short protein forms D771N, D772N.
Identifiers: ClinVar variation 1009547 (VCV001009547.6), dbSNP rs775798114, ClinGen allele CA7313795.